The following is an entry in ClinVar:

ClinVar aggregate classification (germline): Uncertain significance. Review status: criteria provided, single submitter (1 of 4 stars). 2 submissions from 2 submitters: Uncertain significance (1). 1 of the submissions does not count toward it. Last evaluated 2025-03-26.

Conditions:
Fanconi anemia (FA). Also called: Fanconi's anemia. Identifiers: Orphanet 84, MedGen C0015625, MeSH D005199, MONDO:0019391.
Inborn genetic diseases. Identifiers: MedGen C0950123, MeSH D030342.

gnomAD v4.1: 1 of 1,614,124 alleles (0.000062%); highest among the groups gnomAD compares: Non-Finnish European, 0.000085%; no homozygotes.

Submissions (2):

Ambry Genetics
Classification: Uncertain significance for Inborn genetic diseases. Last evaluated: 2025-03-26. Review status: criteria provided, single submitter. Criteria: Ambry Variant Classification Scheme 2023. Collection method: clinical testing. Allele origin: germline.
Comment: The p.S1340C variant (also known as c.4019C>G), located in coding exon 41 of the FANCA gene, results from a C to G substitution at nucleotide position 4019. The serine at codon 1340 is replaced by cysteine, an amino acid with dissimilar properties. This amino acid position is conserved. In addition, the in silico prediction for this alteration is inconclusive. Based on the available evidence, the clinical significance of this variant remains unclear.

Natera, Inc.
Classification: Uncertain significance for Fanconi anemia. Last evaluated: 2025-05-23. Review status: no assertion criteria provided. Collection method: clinical testing. Allele origin: germline. Not counted in ClinVar's aggregate classification.

NM_000135.4(FANCA):c.4019C>G (p.Ser1340Cys)

Genes: FANCA (FA complementation group A; minus strand), ZNF276 (zinc finger protein 276; plus strand). Cytogenetic location: 16q24.3.
Variant type: single nucleotide variant.
Coding change: c.4019C>G on transcript NM_000135.4 (MANE Select); coding-DNA position 4019, C replaced by G.
Protein change: p.Ser1340Cys; replaces serine 1340 with cysteine.
Molecular consequence: missense variant. On other transcripts: 3 prime UTR variant (2), non-coding transcript variant (4).
Genome position (GRCh38, 1-based): chr16:89,739,281, G>C on the plus strand (C>G on the coding strand, the complement: FANCA is on the minus strand). VCF-style: chr16-89739281-G-C. GRCh37 (hg19) VCF-style: chr16-89805689-G-C.
Other names: c.4019C>G, p.Ser1340Cys (NM_001286167.3); c.*1035G>C (NM_001113525.2, NM_152287.4); c.4019C>G (NM_000135.3); short protein forms S1340C.
Identifiers: ClinVar variation 4022109 (VCV004022109.2).